The following is an entry in ClinVar:

ClinVar aggregate classification (germline): Uncertain significance (1 of 4 stars; one submission).

Conditions:
Joubert syndrome 18 (JBTS18). Identifiers: Orphanet 2754, MedGen C3553758, MONDO:0013896, OMIM 614815.
Orofacial-digital syndrome IV (OFD4). Also called: BARAITSER-BURN SYNDROME; OFD SYNDROME WITH TIBIAL DEFECTS; OFD SYNDROME, BARAITSER-BURN TYPE; OFDS IV; ORAL-FACIAL-DIGITAL SYNDROME, TYPE IV; Orofaciodigital syndrome IV. Identifiers: Orphanet 2753, MedGen C0406727, MONDO:0009794, OMIM 258860.

Allele frequency attached by ClinVar (database versions not stated): gnomAD exomes below 0.00001.
gnomAD v4.1: 1 of 1,614,194 alleles (0.000062%); highest among the groups gnomAD compares: Admixed American, 0.0017%; no homozygotes.

Submission:

Labcorp Genetics (formerly Invitae), Labcorp
Classification: Uncertain significance for Joubert syndrome 18; Orofacial-digital syndrome IV. Last evaluated: 2022-05-05. Review status: criteria provided, single submitter. Criteria: Invitae Variant Classification Sherloc (09022015). Collection method: clinical testing. Allele origin: germline.
Comment: This sequence change replaces threonine, which is neutral and polar, with isoleucine, which is neutral and non-polar, at codon 198 of the TCTN3 protein (p.Thr198Ile). This variant is not present in population databases (gnomAD no frequency). This variant has not been reported in the literature in individuals affected with TCTN3-related conditions. Algorithms developed to predict the effect of missense changes on protein structure and function (SIFT, PolyPhen-2, Align-GVGD) all suggest that this variant is likely to be tolerated. In summary, the available evidence is currently insufficient to determine the role of this variant in disease. Therefore, it has been classified as a Variant of Uncertain Significance.

NM_015631.6(TCTN3):c.593C>T (p.Thr198Ile)

Gene: TCTN3 (tectonic family member 3; minus strand). Cytogenetic location: 10q24.1.
Variant type: single nucleotide variant.
Coding change: c.593C>T on transcript NM_015631.6 (MANE Select); coding-DNA position 593, C replaced by T.
Protein change: p.Thr198Ile; replaces threonine 198 with isoleucine.
Molecular consequence: missense variant. On other transcripts: intron variant (1).
Genome position (GRCh38, 1-based): chr10:95,687,626, G>A on the plus strand (C>T on the coding strand, the complement: TCTN3 is on the minus strand). VCF-style: chr10-95687626-G-A. GRCh37 (hg19) VCF-style: chr10-97447383-G-A.
Other names: c.647C>T, p.Thr216Ile (NM_001013840.1); c.593C>T, p.Thr198Ile (NM_001410982.1); c.500-467C>T (NM_001143973.2); short protein forms T198I, T216I.
Identifiers: ClinVar variation 2071432 (VCV002071432.2), dbSNP rs2492764054, ClinGen allele CA377708658.
Genomic context (GRCh38, chr10:95,687,626, plus strand): 5'-AATCCCATCCCCTTCCCCAGGCTCACCCTGTAAAAAGATGGTGGTGATTGAGTTTGGAAT[G>A]TTGAAGTGAATGATTCGCCTCCAAACTCTGCAGCCAGGGCCTGGAAGTTGGTTGCATTGA-3'
Protein context (NP_056446.4, residues 188-208): AEFGGESFTS[Thr198Ile]FQTQSPPSFY